The following is an entry in ClinVar:

ClinVar aggregate classification (germline): Uncertain significance. Review status: criteria provided, single submitter (1 of 4 stars). 2 submissions from 2 submitters: Uncertain significance (1). 1 of the submissions does not count toward it. Last evaluated 2025-03-03.

Conditions:
Tuberous sclerosis syndrome (TSC). Also called: Tuberous Sclerosis Complex; Tuberous sclerosis. Identifiers: Orphanet 805, MedGen C0041341, MONDO:0001734.
Tuberous sclerosis 2 (TSC2). Identifiers: Orphanet 805, MedGen C1860707, MONDO:0013199, OMIM 613254.

Submissions (2):

Labcorp Genetics (formerly Invitae), Labcorp
Classification: Uncertain significance for Tuberous sclerosis 2. Last evaluated: 2025-03-03. Review status: criteria provided, single submitter. Criteria: Invitae Variant Classification Sherloc (09022015). Collection method: clinical testing. Allele origin: germline.
Comment: This sequence change replaces asparagine, which is neutral and polar, with lysine, which is basic and polar, at codon 1720 of the TSC2 protein (p.Asn1720Lys). It affects a nucleotide within the consensus splice site. This variant is not present in population databases (gnomAD no frequency). This missense change has been observed in individual(s) with clinical features of tuberous sclerosis complex (PMID: 17304050). ClinVar contains an entry for this variant (Variation ID: 49356). An algorithm developed to predict the effect of missense changes on protein structure and function (PolyPhen-2) suggests that this variant is likely to be tolerated. Variants that disrupt the consensus splice site are a relatively common cause of aberrant splicing (PMID: 17576681, 9536098). Experimental studies and prediction algorithms are not available or were not evaluated, and the effect of this variant on mRNA splicing is currently unknown. In summary, the available evidence is currently insufficient to determine the role of this variant in disease. Therefore, it has been classified as a Variant of Uncertain Significance.

Tuberous sclerosis database (TSC2)
No classification provided. Condition: TSC. Review status: no classification provided. Criteria: Tuberous Sclerosis Database Assertion Criteria 2015. Collection method: curation. Allele origin: germline. Affected: yes. Not counted in ClinVar's aggregate classification.

Literature cited by the submitters: PubMed 17304050 (cited by Labcorp Genetics (formerly Invitae), Labcorp); PubMed 17576681 (cited by Labcorp Genetics (formerly Invitae), Labcorp); PubMed 9536098 (cited by Labcorp Genetics (formerly Invitae), Labcorp).

NM_000548.5(TSC2):c.5160T>A (p.Asn1720Lys)

Gene: TSC2 (TSC complex subunit 2; plus strand). Cytogenetic location: 16p13.3.
Variant type: single nucleotide variant.
Coding change: c.5160T>A on transcript NM_000548.5 (MANE Select); coding-DNA position 5160, T replaced by A.
Protein change: p.Asn1720Lys; replaces asparagine 1720 with lysine.
Molecular consequence: missense variant.
Genome position (GRCh38, 1-based): chr16:2,088,139, T>A. VCF-style: chr16-2088139-T-A. GRCh37 (hg19) VCF-style: chr16-2138140-T-A.
Other names: c.4959T>A, p.Asn1653Lys (NM_001077183.3); c.5091T>A, p.Asn1697Lys (NM_001114382.3); c.4851T>A, p.Asn1617Lys (NM_001318827.2); c.4815T>A, p.Asn1605Lys (NM_001318829.2); c.4428T>A, p.Asn1476Lys (NM_001318831.2); c.4992T>A, p.Asn1664Lys (NM_001318832.2); c.4962T>A, p.Asn1654Lys (NM_001363528.2); c.5028T>A, p.Asn1676Lys (NM_001370404.1); and 1 more; short protein forms N1720K, N1476K, N1605K, N1677K, N1617K, N1676K, N1697K, N1653K.
Identifiers: ClinVar variation 49356 (VCV000049356.6), dbSNP rs137854883, ClinGen allele CA021987.